The following is an entry in ClinVar:

NM_000257.4(MYH7):c.794C>A (p.Thr265Asn)

Gene: MYH7 (myosin heavy chain 7; minus strand). Cytogenetic location: 14q11.2.
Variant type: single nucleotide variant.
Coding change: c.794C>A on transcript NM_000257.4 (MANE Select); coding-DNA position 794, C replaced by A.
Protein change: p.Thr265Asn; replaces threonine 265 with asparagine.
Molecular consequence: missense variant.
Genome position (GRCh38, 1-based): chr14:23,431,420, G>T on the plus strand (C>A on the coding strand, the complement: MYH7 is on the minus strand). VCF-style: chr14-23431420-G-T. GRCh37 (hg19) VCF-style: chr14-23900629-G-T.
Other names: c.794C>A (LRG_384t1); short protein forms T265N.
Identifiers: ClinVar variation 235035 (VCV000235035.11), dbSNP rs876661375, ClinGen allele CA10581179.
Genomic context (GRCh38, chr14:23,431,420, plus strand): 5'-CAGATGGTCTAGAGCAAGGGTGAGCTTAGGCTGAGCCTAGCAGATTCATGGCACTCACAG[G>T]TCTCTATGTCTGCAGATGCCAACTTTCCTGTTGCCCCAAAATGAATTCGAATGAATTTCC-3'
Protein context (NP_000248.2, residues 255-275): TGKLASADIE[Thr265Asn]YLLEKSRVIF

ClinVar aggregate classification (germline): Uncertain significance. Review status: criteria provided, multiple submitters, no conflicts (2 of 4 stars). 3 submissions from 3 submitters: Uncertain significance (3). Last evaluated 2024-04-18.

Conditions:
Cardiovascular phenotype. Identifiers: MedGen CN230736.
Hypertrophic cardiomyopathy. Also called: HYPERTROPHIC MYOCARDIOPATHY. Identifiers: Orphanet 217569, MedGen C0007194, MeSH D002312, MONDO:0005045, HP:0001639.

Allele frequency attached by ClinVar (database versions not stated): TOPMed below 0.00001; gnomAD 0.00001.
gnomAD v4.1: 1 of 1,613,878 alleles (0.000062%); highest among the groups gnomAD compares: Non-Finnish European, 0.000085%; no homozygotes.

Submissions (3):

Ambry Genetics
Classification: Uncertain significance for Cardiovascular phenotype. Last evaluated: 2024-04-18. Review status: criteria provided, single submitter. Criteria: Ambry Variant Classification Scheme 2023. Collection method: clinical testing. Allele origin: germline.
Comment: The p.T265N variant (also known as c.794C>A), located in coding exon 7 of the MYH7 gene, results from a C to A substitution at nucleotide position 794. The threonine at codon 265 is replaced by asparagine, an amino acid with similar properties. This alteration is located in the myosin head domain, which contains a statistically significant clustering of pathogenic missense variants (Homburger JR et al. Proc Natl Acad Sci U S A, 2016 06;113:6701-6; Walsh R et al. Genet Med, 2017 02;19:192-203; Ambry internal data). This alteration has been reported in a hypertrophic cardiomyopathy (HCM) cohort (Ho CY et al. Circulation, 2018 Oct;138:1387-1398). This amino acid position is highly conserved in available vertebrate species. In addition, the in silico prediction for this alteration is inconclusive. Based on the available evidence, the clinical significance of this variant remains unclear.

Labcorp Genetics (formerly Invitae), Labcorp
Classification: Uncertain significance for Hypertrophic cardiomyopathy. Last evaluated: 2020-10-16. Review status: criteria provided, single submitter. Criteria: Invitae Variant Classification Sherloc (09022015). Collection method: clinical testing. Allele origin: germline.
Comment: In summary, the available evidence is currently insufficient to determine the role of this variant in disease. Therefore, it has been classified as a Variant of Uncertain Significance. This variant is found within a region of MYH7 between codons 181 and 937 that contains the majority of the myosin head domain. Missense variants in this region have been shown to be significantly overrepresented in individuals with hypertrophic cardiomyopathy (PMID: 27532257). This sequence change replaces threonine with asparagine at codon 265 of the MYH7 protein (p.Thr265Asn). The threonine residue is highly conserved and there is a small physicochemical difference between threonine and asparagine. This variant is not present in population databases (ExAC no frequency). This variant has been observed in individual(s) with clinical features of hypertrophic cardiomyopathy (PMID: 27247418, Invitae). ClinVar contains an entry for this variant (Variation ID: 235035). Algorithms developed to predict the effect of missense changes on protein structure and function are either unavailable or do not agree on the potential impact of this missense change (SIFT: "Deleterious"; PolyPhen-2: "Benign"; Align-GVGD: "Class C0").

Stanford Center for Inherited Cardiovascular Disease, Stanford University
Classification: Uncertain significance. Last evaluated: 2012-01-16. Review status: criteria provided, single submitter. Criteria: ACMG Guidelines, 2015. Collection method: provider interpretation. Allele origin: germline.

Literature cited by the submitters: PubMed 30297972 (cited by Ambry Genetics); PubMed 27532257 (cited by Labcorp Genetics (formerly Invitae), Labcorp); PubMed 27247418 (cited by Labcorp Genetics (formerly Invitae), Labcorp).